The following is an entry in ClinVar:

NM_022829.6(SLC13A3):c.1458G>C (p.Ala486=)

Gene: SLC13A3 (solute carrier family 13 member 3; minus strand). Cytogenetic location: 20q13.12.
Variant type: single nucleotide variant.
Coding change: c.1458G>C on transcript NM_022829.6 (MANE Select); coding-DNA position 1458, G replaced by C.
Protein change: p.Ala486=; no amino-acid change (alanine 486 retained).
Molecular consequence: synonymous variant.
Genome position (GRCh38, 1-based): chr20:46,566,265, C>G on the plus strand (G>C on the coding strand, the complement: SLC13A3 is on the minus strand). VCF-style: chr20-46566265-C-G. GRCh37 (hg19) VCF-style: chr20-45194904-C-G.
Other names: c.1458G>C (NM_022829.5); c.1317G>C, p.Ala439= (NM_001011554.3); c.1308G>C, p.Ala436= (NM_001193339.2); c.1212G>C, p.Ala404= (NM_001193340.2); c.1164G>C, p.Ala388= (NM_001193342.2).
Identifiers: ClinVar variation 1168839 (VCV001168839.12), dbSNP rs202391, ClinGen allele CA9891264.

ClinVar aggregate classification (germline): Benign. Review status: criteria provided, multiple submitters, no conflicts (2 of 4 stars). 3 submissions from 3 submitters: Benign (2). 1 of the submissions does not count toward it. Last evaluated 2026-02-01.

Conditions:
SLC13A3-related disorder. Also called: SLC13A3-related condition.

Allele frequency attached by ClinVar (database versions not stated): TOPMed 0.19139; ESP Exome Variant Server 0.19568; 1000 Genomes Project 0.19708; 1000 Genomes Project 30x 0.20081.
gnomAD v4.1: 235,021 of 1,613,100 alleles (15%); highest among the groups gnomAD compares: African/African-American, 31%; 18,838 homozygotes.

Submissions (3):

Labcorp Genetics (formerly Invitae), Labcorp
Classification: Benign. Last evaluated: 2026-02-01. Review status: criteria provided, single submitter. Criteria: Invitae Variant Classification Sherloc (09022015). Collection method: clinical testing. Allele origin: germline.

Breakthrough Genomics
Classification: Benign. Review status: criteria provided, single submitter. Criteria: ACMG Guidelines, 2015. Collection method: not provided. Allele origin: germline. Inheritance: Autosomal recessive inheritance. Affected: yes.

PreventionGenetics, part of Exact Sciences
Classification: Benign for SLC13A3-related condition. Last evaluated: 2019-11-04. Review status: no assertion criteria provided. Collection method: clinical testing. Allele origin: germline. Not counted in ClinVar's aggregate classification.
Comment: This variant is classified as benign based on ACMG/AMP sequence variant interpretation guidelines (Richards et al. 2015 PMID: 25741868, with internal and published modifications).